The following is an entry in ClinVar:

ClinVar aggregate classification (germline): Uncertain significance (1 of 4 stars; one submission).

Conditions:
CHARGE syndrome (CHARGE). Also called: Hittner Hirsch Kreh syndrome; Coloboma, heart anomaly, choanal atresia, retardation, genital and ear anomalies; CHARGE association; Hall-Hittner syndrome; CHARGE ASSOCIATION--COLOBOMA, HEART ANOMALY, CHOANAL ATRESIA, RETARDATION, GENITAL AND EAR ANOMALIES. Identifiers: Orphanet 138, MedGen C0265354, MONDO:0008965.

gnomAD v4.1: 2 of 1,609,460 alleles (0.00012%); highest among the groups gnomAD compares: Non-Finnish European, 0.000085%; no homozygotes.

Submission:

Labcorp Genetics (formerly Invitae), Labcorp
Classification: Uncertain significance for CHARGE syndrome. Last evaluated: 2023-10-22. Review status: criteria provided, single submitter. Criteria: Invitae Variant Classification Sherloc (09022015). Collection method: clinical testing. Allele origin: germline.
Comment: This sequence change replaces glycine, which is neutral and non-polar, with arginine, which is basic and polar, at codon 1845 of the CHD7 protein (p.Gly1845Arg). This variant is present in population databases (rs753347128, gnomAD 0.0009%). This variant has not been reported in the literature in individuals affected with CHD7-related conditions. ClinVar contains an entry for this variant (Variation ID: 1001947). An algorithm developed to predict the effect of missense changes on protein structure and function (PolyPhen-2) suggests that this variant is likely to be disruptive. In summary, the available evidence is currently insufficient to determine the role of this variant in disease. Therefore, it has been classified as a Variant of Uncertain Significance.

NM_017780.4(CHD7):c.5533G>C (p.Gly1845Arg)

Gene: CHD7 (chromodomain helicase DNA binding protein 7; plus strand). Cytogenetic location: 8q12.2.
Variant type: single nucleotide variant.
Coding change: c.5533G>C on transcript NM_017780.4 (MANE Select); coding-DNA position 5533, G replaced by C.
Protein change: p.Gly1845Arg; replaces glycine 1845 with arginine.
Molecular consequence: missense variant. On other transcripts: intron variant (1).
Genome position (GRCh38, 1-based): chr8:60,850,621, G>C. VCF-style: chr8-60850621-G-C. GRCh37 (hg19) VCF-style: chr8-61763180-G-C.
Other names: c.1717-11608G>C (NM_001316690.1); short protein forms G1845R.
Identifiers: ClinVar variation 1001947 (VCV001001947.6), dbSNP rs753347128, ClinGen allele CA4760387.